The following is an entry in ClinVar:

ClinVar aggregate classification (germline): Likely benign. Review status: criteria provided, multiple submitters, no conflicts (2 of 4 stars). 3 submissions from 3 submitters: Likely benign (2). 1 of the submissions does not count toward it. Last evaluated 2026-07-01.

Conditions:
KDM6B-related disorder. Also called: KDM6B-related condition.

Submissions (3):

CeGaT Center for Human Genetics Tuebingen
Classification: Likely benign. Last evaluated: 2026-07-01. Review status: criteria provided, single submitter. Criteria: CeGaT Center For Human Genetics Tuebingen Variant Classification Criteria Version 2. Collection method: clinical testing. Allele origin: germline. Affected: yes. Observed: 3 variant alleles.
Comment: KDM6B: PM4, BS1

Blueprint Genetics
Classification: Likely benign. Last evaluated: 2024-11-20. Review status: criteria provided, single submitter. Criteria: ACMG Guidelines, 2015. Collection method: clinical testing. Allele origin: germline.

PreventionGenetics, part of Exact Sciences
Classification: Benign for KDM6B-related condition. Last evaluated: 2023-12-18. Review status: no assertion criteria provided. Collection method: clinical testing. Allele origin: germline. Not counted in ClinVar's aggregate classification.
Comment: This variant is classified as benign based on ACMG/AMP sequence variant interpretation guidelines (Richards et al. 2015 PMID: 25741868, with internal and published modifications).

NM_001348716.2(KDM6B):c.2927AGAAGGAGCATC[1] (p.976QKEH[1])

Gene: KDM6B (lysine demethylase 6B; plus strand). Cytogenetic location: 17p13.1.
Variant type: Microsatellite.
Coding change: c.2927AGAAGGAGCATC[1] on transcript NM_001348716.2 (MANE Select); one copy of the 12-base unit AGAAGGAGCATC starting at c.2927; the reference has two copies in a row; one copy, 12 bases deleted.
Protein change: p.976QKEH[1].
Genome position (GRCh38, 1-based): chr17:7,849,227-7,849,238, AGAAGGAGCATC deleted; deleting any 12 consecutive bases within chr17:7,849,214-7,849,238 gives the same sequence; the position shown is the placement nearest the transcript's 3' end. VCF-style (leftmost placement, unchanged base first): chr17-7849213-ACAGAAGGAGCAT-A. GRCh37 (hg19) VCF-style: chr17-7752531-ACAGAAGGAGCAT-A.
Other names: c.2927AGAAGGAGCATC[1], p.976QKEH[1] (NM_001080424.2).
Identifiers: ClinVar variation 3035106 (VCV003035106.9), dbSNP rs547582872, ClinGen allele CA8361043.